The following is an entry in ClinVar:

ClinVar aggregate classification (germline): Uncertain significance. Review status: criteria provided, multiple submitters, no conflicts (2 of 4 stars). 2 submissions from 2 submitters: Uncertain significance (2). Last evaluated 2025-02-16.

gnomAD v4.1: 2 of 1,597,890 alleles (0.00013%); highest among the groups gnomAD compares: Non-Finnish European, 0.00017%; no homozygotes.

Submissions (2):

Labcorp Genetics (formerly Invitae), Labcorp
Classification: Uncertain significance. Last evaluated: 2025-02-16. Review status: criteria provided, single submitter. Criteria: Invitae Variant Classification Sherloc (09022015). Collection method: clinical testing. Allele origin: germline.
Comment: This sequence change replaces arginine, which is basic and polar, with cysteine, which is neutral and slightly polar, at codon 281 of the MTOR protein (p.Arg281Cys). This variant is not present in population databases (gnomAD no frequency). This variant has not been reported in the literature in individuals affected with MTOR-related conditions. An algorithm developed to predict the effect of missense changes on protein structure and function (PolyPhen-2) suggests that this variant is likely to be disruptive. In summary, the available evidence is currently insufficient to determine the role of this variant in disease. Therefore, it has been classified as a Variant of Uncertain Significance.

Blueprint Genetics
Classification: Uncertain significance. Last evaluated: 2023-01-04. Review status: criteria provided, single submitter. Criteria: ACMG Guidelines, 2015. Collection method: clinical testing. Allele origin: germline.

NM_004958.4(MTOR):c.841C>T (p.Arg281Cys)

Gene: MTOR (mechanistic target of rapamycin kinase; minus strand). Cytogenetic location: 1p36.22.
Variant type: single nucleotide variant.
Coding change: c.841C>T on transcript NM_004958.4 (MANE Select); coding-DNA position 841, C replaced by T.
Protein change: p.Arg281Cys; replaces arginine 281 with cysteine.
Molecular consequence: missense variant. On other transcripts: 5 prime UTR variant (1).
Genome position (GRCh38, 1-based): chr1:11,248,094, G>A on the plus strand (C>T on the coding strand, the complement: MTOR is on the minus strand). VCF-style: chr1-11248094-G-A. GRCh37 (hg19) VCF-style: chr1-11308151-G-A.
Other names: c.841C>T, p.Arg281Cys (NM_001386500.1); c.-299C>T (NM_001386501.1); short protein forms R281C.
Identifiers: ClinVar variation 4712532 (VCV004712532.2).
Genomic context (GRCh38, chr1:11,248,094, plus strand): 5'-TGCAGTACTTGTCGTGTACCAGCTGCTGCTGTGTGATTTCTTCCATTTCTTCTCTCAGAC[G>A]CTATATATATGAGGAGGAAAAAAATCATCTTTACTTATGACTGGCATTCAAACTGGGCAC-3'
Protein context (NP_004949.1, residues 271-291): LVRISSMEGE[Arg281Cys]LREEMEEITQ